The following is an entry in ClinVar:

ClinVar aggregate classification (germline): Pathogenic (1 of 4 stars; one submission).

Submission:

GeneDx
Classification: Pathogenic. Last evaluated: 2016-12-20. Review status: criteria provided, single submitter. Criteria: GeneDx Variant Classification (06012015). Collection method: clinical testing. Allele origin: germline. Affected: yes.
Comment: The A1329S variant in the SCN2A gene has not been reported previously as a pathogenic variant nor as a benign variant, to our knowledge. The A1329S variant was not observed in approximately 6500 individuals of European and African American ancestry in the NHLBI Exome Sequencing Project, indicating it is not a common benign variant in these populations. The A1329S variant is a non-conservative amino acid substitution, which is likely to impact secondary protein structure as these residues differ in polarity, charge, size and/or other properties. This substitution is within the intracellular loop between the S4 and S5 transmembrane segments of the third homologous domain and occurs at a position that is conserved across species. In silico analysis predicts this variant is probably damaging to the protein structure/function. As an alternate mechanism, multiple in silico algorithms predict that c.3985 G>T (aka A1329S) might create a cryptic splice acceptor site in exon 22 which may supplant the natural acceptor site. However, in the absence of RNA/functional studies, the actual effect of c.3985 G>T in this individual is unknown. Missense variants in nearby residues (V1326L, V1326D, L1330F) have been reported in the Human Gene Mutation Database in association with SCN2A-related disorders (Stenson et al., 2014), supporting the functional importance of this region of the protein. We interpret A1329S as a pathogenic variant.

NM_001040142.2(SCN2A):c.3985G>T (p.Ala1329Ser)

Gene: SCN2A (sodium voltage-gated channel alpha subunit 2; plus strand). Cytogenetic location: 2q24.3.
Variant type: single nucleotide variant.
Coding change: c.3985G>T on transcript NM_001040142.2 (MANE Select); coding-DNA position 3985, G replaced by T.
Protein change: p.Ala1329Ser; replaces alanine 1329 with serine.
Molecular consequence: missense variant.
Genome position (GRCh38, 1-based): chr2:165,374,697, G>T. VCF-style: chr2-165374697-G-T. GRCh37 (hg19) VCF-style: chr2-166231207-G-T.
Other names: c.3985G>T, p.Ala1329Ser (NM_001040143.2, NM_001371246.1, NM_001371247.1 and 1 more transcripts); short protein forms A1329S.
Identifiers: ClinVar variation 391368 (VCV000391368.2), dbSNP rs1057524059, ClinGen allele CA16603921.